The following is an entry in ClinVar:

NM_025243.4(SLC19A3):c.1149T>A (p.Tyr383Ter)

Gene: SLC19A3 (solute carrier family 19 member 3; minus strand). Cytogenetic location: 2q36.3.
Variant type: single nucleotide variant.
Coding change: c.1149T>A on transcript NM_025243.4 (MANE Select); coding-DNA position 1149, T replaced by A.
Protein change: p.Tyr383Ter; replaces tyrosine 383 with a stop codon.
Molecular consequence: nonsense.
Genome position (GRCh38, 1-based): chr2:227,695,912, A>T on the plus strand (T>A on the coding strand, the complement: SLC19A3 is on the minus strand). VCF-style: chr2-227695912-A-T. GRCh37 (hg19) VCF-style: chr2-228560628-A-T.
Other names: c.1149T>A, p.Tyr383Ter (NM_001371411.1, NM_001371412.1); c.1137T>A, p.Tyr379Ter (NM_001371413.1, NM_001371414.1); short protein forms Y379*, Y383*.
Identifiers: ClinVar variation 5013809 (VCV005013809.1).

ClinVar aggregate classification (germline): Pathogenic (1 of 4 stars; one submission).

Conditions:
Biotin-responsive basal ganglia disease (BTBGD). Also called: Thiamine metabolism dysfunction syndrome 2 (biotin- or thiamine-responsive encephalopathy type 2); Thiamine metabolism dysfunction syndrome type 2; Thiamine Transporter-2 Deficiency; thiamine-responsive encephalopathy; THIAMINE METABOLISM DYSFUNCTION SYNDROME 2 (BIOTIN- AND THIAMINE-RESPONSIVE TYPE). Identifiers: Orphanet 199348, Orphanet 65284, MedGen C1843807, MONDO:0011841, OMIM 607483.

Submission:

Myriad Genetics, Inc.
Classification: Pathogenic for Biotin-responsive basal ganglia disease. Last evaluated: 2024-11-26. Review status: criteria provided, single submitter. Criteria: Myriad Autosomal Dominant, Autosomal Recessive and X-Linked Classification Criteria (2023). Collection method: clinical testing. Allele origin: unknown.
Comment: NM_025243.3(SLC19A3):c.1149T>A(Y383*) is expected to be pathogenic in the context of biotin-thiamine-responsive basal ganglia disease. This variant is predicted to lead to an abnormal or absent protein product due to the creation of a premature termination codon in SLC19A3, a gene where loss-of-function variants are known to be pathogenic. Please note: this variant was assessed in the context of healthy population screening.